The following is an entry in ClinVar:

NM_004304.5(ALK):c.584C>A (p.Ala195Glu)

Gene: ALK (ALK receptor tyrosine kinase; minus strand). Cytogenetic location: 2p23.1.
Variant type: single nucleotide variant.
Coding change: c.584C>A on transcript NM_004304.5 (MANE Select); coding-DNA position 584, C replaced by A.
Protein change: p.Ala195Glu; replaces alanine 195 with glutamic acid.
Molecular consequence: missense variant.
Genome position (GRCh38, 1-based): chr2:29,920,076, G>T on the plus strand (C>A on the coding strand, the complement: ALK is on the minus strand). VCF-style: chr2-29920076-G-T. GRCh37 (hg19) VCF-style: chr2-30142942-G-T.
Other names: short protein forms A195E.
Identifiers: ClinVar variation 1750061 (VCV001750061.4), dbSNP rs1442742511, ClinGen allele CA346589746.

ClinVar aggregate classification (germline): Uncertain significance. Review status: criteria provided, multiple submitters, no conflicts (2 of 4 stars). 2 submissions from 2 submitters: Uncertain significance (2). Last evaluated 2025-12-21.

Conditions:
Hereditary cancer-predisposing syndrome. Also called: Tumor predisposition; Hereditary Cancer Syndrome; Hereditary neoplastic syndrome; Neoplastic Syndromes, Hereditary. Identifiers: Orphanet 140162, MedGen C0027672, MeSH D009386, MONDO:0015356.
Neuroblastoma, susceptibility to, 3. Also called: ALK-Related Neuroblastic Tumor Susceptibility. Identifiers: Orphanet 635, MedGen C2751681, MONDO:0013083, OMIM 613014.

Submissions (2):

Ambry Genetics
Classification: Uncertain significance for Hereditary cancer-predisposing syndrome. Last evaluated: 2025-12-21. Review status: criteria provided, single submitter. Criteria: Ambry Variant Classification Scheme 2023. Collection method: clinical testing. Allele origin: germline.
Comment: The p.A195E variant (also known as c.584C>A), located in coding exon 1 of the ALK gene, results from a C to A substitution at nucleotide position 584. The alanine at codon 195 is replaced by glutamic acid, an amino acid with dissimilar properties. This amino acid position is conserved. In addition, the in silico prediction for this alteration is inconclusive. Since supporting evidence is limited at this time, the clinical significance of this alteration remains unclear.

Labcorp Genetics (formerly Invitae), Labcorp
Classification: Uncertain significance for Neuroblastoma, susceptibility to, 3. Last evaluated: 2025-10-12. Review status: criteria provided, single submitter. Criteria: Invitae Variant Classification Sherloc (09022015). Collection method: clinical testing. Allele origin: germline.
Comment: This sequence change replaces alanine, which is neutral and non-polar, with glutamic acid, which is acidic and polar, at codon 195 of the ALK protein (p.Ala195Glu). This variant is not present in population databases (gnomAD no frequency). This variant has not been reported in the literature in individuals affected with ALK-related conditions. ClinVar contains an entry for this variant (Variation ID: 1750061). An algorithm developed to predict the effect of missense changes on protein structure and function (PolyPhen-2) suggests that this variant is likely to be tolerated. In summary, the available evidence is currently insufficient to determine the role of this variant in disease. Therefore, it has been classified as a Variant of Uncertain Significance.